The following is an entry in ClinVar:

NM_002691.4(POLD1):c.1131G>C (p.Leu377=)

Gene: POLD1 (DNA polymerase delta 1, catalytic subunit; plus strand). Cytogenetic location: 19q13.33.
Variant type: single nucleotide variant.
Coding change: c.1131G>C on transcript NM_002691.4 (MANE Select); coding-DNA position 1131, G replaced by C.
Protein change: p.Leu377=; no amino-acid change (leucine 377 retained).
Molecular consequence: synonymous variant. On other transcripts: non-coding transcript variant (1).
Genome position (GRCh38, 1-based): chr19:50,403,213, G>C. VCF-style: chr19-50403213-G-C. GRCh37 (hg19) VCF-style: chr19-50906470-G-C.
Other names: c.1131G>C, p.Leu377= (NM_001256849.1, NM_001308632.1).
Identifiers: ClinVar variation 3904245 (VCV003904245.1).

ClinVar aggregate classification (germline): Benign (1 of 4 stars; one submission).

Conditions:
POLD1-related polyposis and colorectal cancer syndrome (CRCS10). Also called: Colorectal cancer 10; COLORECTAL CANCER, SUSCEPTIBILITY TO, ON CHROMOSOME 19q; Colorectal cancer, susceptibility to, 10. Identifiers: Orphanet 220460, MedGen C2675481, MONDO:0012953, OMIM 612591.

Submission:

Myriad Genetics, Inc.
Classification: Benign for POLD1-related polyposis and colorectal cancer syndrome. Last evaluated: 2025-02-05. Review status: criteria provided, single submitter. Criteria: Myriad Autosomal Dominant, Autosomal Recessive and X-Linked Classification Criteria (2023). Collection method: clinical testing. Allele origin: unknown.
Comment: This variant is considered benign. This variant is a silent/synonymous amino acid change and it is not expected to impact splicing.